The following is an entry in ClinVar:

ClinVar aggregate classification (germline): Pathogenic/Likely pathogenic. Review status: criteria provided, multiple submitters, no conflicts (2 of 4 stars). 4 submissions from 4 submitters: Pathogenic (1); Likely pathogenic (2). 1 of the submissions does not count toward it. Last evaluated 2025-02-20.

Conditions:
Joubert syndrome 7 (JBTS7). Identifiers: Orphanet 220497, MedGen C1969053, MONDO:0012694, OMIM 611560.
Meckel syndrome, type 5 (MKS5). Identifiers: Orphanet 564, MedGen C1969052, MONDO:0012695, OMIM 611561.
COACH syndrome 3. Identifiers: MedGen C5436841, MONDO:0030862, OMIM 619113.
Meckel-Gruber syndrome. Also called: Dysencephalia splachnocystica; DYSENCEPHALIA SPLANCHNOCYSTICA; GRUBER SYNDROME. Identifiers: Orphanet 564, MedGen C0265215, MONDO:0018921.
Joubert syndrome. Also called: JOUBERT-BOLTSHAUSER SYNDROME; Familial aplasia of the vermis. Identifiers: Orphanet 475, MedGen C5979921, MONDO:0018772.
RPGRIP1L-related disorder. Also called: RPGRIP1L-related disorders; RPGRIP1L-related condition. Identifiers: MedGen CN239416.

Allele frequency attached by ClinVar (database versions not stated): gnomAD 0.00001; gnomAD exomes 0.00001 and below 0.00001; TOPMed below 0.00001.
gnomAD v4.1: 9 of 1,613,296 alleles (0.00056%); highest among the groups gnomAD compares: Non-Finnish European, 0.00076%; no homozygotes.

Submissions (4):

Natera, Inc.
Classification: Likely pathogenic for Joubert syndrome. Last evaluated: 2025-02-20. Review status: criteria provided, single submitter. Criteria: Natera Variant Classification Schema (03/2026). Collection method: clinical testing. Allele origin: germline.
Comment: The c.3121A>T variant in RPGRIP1L is a nonsense variant predicted to introduce a stop codon at amino acid 1041. This variant is expected to result in nonsense mediated decay, truncation, or a dysfunctional protein product. This variant is rare in the general population with a frequency below the threshold expected for the associated phenotype(s). Given the available evidence, this variant is classified as Likely Pathogenic.

Labcorp Genetics (formerly Invitae), Labcorp
Classification: Pathogenic for Joubert syndrome; Meckel-Gruber syndrome. Last evaluated: 2023-04-26. Review status: criteria provided, single submitter. Criteria: Invitae Variant Classification Sherloc (09022015). Collection method: clinical testing. Allele origin: germline.
Comment: For these reasons, this variant has been classified as Pathogenic. Algorithms developed to predict the effect of sequence changes on RNA splicing suggest that this variant may create or strengthen a splice site. ClinVar contains an entry for this variant (Variation ID: 958759). This variant has not been reported in the literature in individuals affected with RPGRIP1L-related conditions. This variant is not present in population databases (gnomAD no frequency). This sequence change creates a premature translational stop signal (p.Lys1041*) in the RPGRIP1L gene. It is expected to result in an absent or disrupted protein product. Loss-of-function variants in RPGRIP1L are known to be pathogenic (PMID: 17558409).

Fulgent Genetics
Classification: Likely pathogenic for Joubert syndrome 7; Meckel syndrome, type 5; COACH syndrome 3. Last evaluated: 2022-04-01. Review status: criteria provided, single submitter. Criteria: ACMG Guidelines, 2015. Collection method: clinical testing. Allele origin: unknown.

PreventionGenetics, part of Exact Sciences
Classification: Likely pathogenic for RPGRIP1L-related condition. Last evaluated: 2023-12-04. Review status: no assertion criteria provided. Collection method: clinical testing. Allele origin: germline. Not counted in ClinVar's aggregate classification.
Comment: The RPGRIP1L c.3121A>T variant is predicted to result in premature protein termination (p.Lys1041*). To our knowledge, this variant has not been reported in the literature. This variant is reported in 0.00088% of alleles in individuals of European (Non-Finnish) descent in gnomAD. Nonsense variants in RPGRIP1L are expected to be pathogenic. This variant is interpreted as likely pathogenic.

Literature cited by the submitters: PubMed 17558409 (cited by Labcorp Genetics (formerly Invitae), Labcorp).

NM_015272.5(RPGRIP1L):c.3121A>T (p.Lys1041Ter)

Gene: RPGRIP1L (RPGRIP1 like; minus strand). Cytogenetic location: 16q12.2.
Variant type: single nucleotide variant.
Coding change: c.3121A>T on transcript NM_015272.5 (MANE Select); coding-DNA position 3121, A replaced by T.
Protein change: p.Lys1041Ter; replaces lysine 1041 with a stop codon.
Molecular consequence: nonsense.
Genome position (GRCh38, 1-based): chr16:53,637,794, T>A on the plus strand (A>T on the coding strand, the complement: RPGRIP1L is on the minus strand). VCF-style: chr16-53637794-T-A. GRCh37 (hg19) VCF-style: chr16-53671706-T-A.
Other names: c.3019A>T, p.Lys1007Ter (NM_001127897.4, NM_001330538.2); c.3121A>T, p.Lys1041Ter (NM_001308334.3); c.3121A>T (NM_015272.4); short protein forms K1007*, K1041*.
Identifiers: ClinVar variation 958759 (VCV000958759.13), dbSNP rs1456208953, ClinGen allele CA395926336.
Genomic context (GRCh38, chr16:53,637,794, plus strand): 5'-CAGAAGATGCCAAGCTTTGTTCTGCAAGCTGACCTTCAGATAGTAAAGACACATCATCTT[T>A]TCCTTGCTGCATTTTCTCAGTATTCTCTTTTACCTCATCTACACTGCCTTCTTGTGAAAC-3'